The following is an entry in ClinVar:

NM_033380.3(COL4A5):c.1589G>A (p.Gly530Asp)

Gene: COL4A5 (collagen type IV alpha 5 chain; plus strand). Cytogenetic location: Xq22.3.
Variant type: single nucleotide variant.
Coding change: c.1589G>A on transcript NM_033380.3 (MANE Select); coding-DNA position 1589, G replaced by A.
Protein change: p.Gly530Asp; replaces glycine 530 with aspartic acid.
Molecular consequence: missense variant.
Genome position (GRCh38, 1-based): chrX:108,597,378, G>A. VCF-style: chrX-108597378-G-A. GRCh37 (hg19) VCF-style: chrX-107840608-G-A.
Other names: c.1589G>A, p.Gly530Asp (NM_000495.5); short protein forms G530D.
Identifiers: ClinVar variation 38756 (VCV000038756.4), dbSNP rs281874671, ClinGen allele CA261057.

ClinVar aggregate classification (germline): Pathogenic (1 of 4 stars; one submission).

Conditions:
X-linked Alport syndrome (ATS1). Also called: NEPHROPATHY AND DEAFNESS, X-LINKED; COL4A5-Related Nephropathy. Identifiers: Orphanet 63, Orphanet 88917, MedGen C4746986, MONDO:0010520, OMIM 301050.

Submission:

Laboratory of Medical Genetics, National & Kapodistrian University of Athens
Classification: Pathogenic for X-linked Alport syndrome. Last evaluated: 2021-10-05. Review status: criteria provided, single submitter. Criteria: ACMG Guidelines, 2015. Collection method: clinical testing. Allele origin: unknown. Affected: yes.
Comment: PM1, PM2, PP2, PP3, PP5